The following is an entry in ClinVar:

NM_004568.6(SERPINB6):c.631A>G (p.Ile211Val)

Gene: SERPINB6 (serpin family B member 6; minus strand). Cytogenetic location: 6p25.2.
Variant type: single nucleotide variant.
Coding change: c.631A>G on transcript NM_004568.6 (MANE Select); coding-DNA position 631, A replaced by G.
Protein change: p.Ile211Val; replaces isoleucine 211 with valine.
Molecular consequence: missense variant. On other transcripts: non-coding transcript variant (1).
Genome position (GRCh38, 1-based): chr6:2,949,012, T>C on the plus strand (A>G on the coding strand, the complement: SERPINB6 is on the minus strand). VCF-style: chr6-2949012-T-C. GRCh37 (hg19) VCF-style: chr6-2949246-T-C.
Other names: c.643A>G, p.Ile215Val (NM_001195291.3, NM_001374515.1); c.673A>G, p.Ile225Val (NM_001271822.2); c.688A>G, p.Ile230Val (NM_001271823.2); c.631A>G, p.Ile211Val (NM_001271824.2, NM_001271825.2, NM_001297699.2 and 2 more transcripts); c.499A>G, p.Ile167Val (NM_001374517.1); short protein forms I167V, I211V, I215V, I225V, I230V.
Identifiers: ClinVar variation 1693411 (VCV001693411.2), dbSNP rs1410209674, ClinGen allele CA362580990.
Genomic context (GRCh38, chr6:2,949,012, plus strand): 5'-TCATATTCAGTTCCTTGCCAACATATGGAAGCACCAAGATTTGGGTAAATATTTCTCCTA[T>C]ATAGGTCTTCTTAAAAGTAGATTGCTTAAACATCATTTGCACAGGTTTCTCCTCATTCTA-3'
Protein context (NP_004559.4, residues 201-221): FKQSTFKKTY[Ile211Val]GEIFTQILVL

ClinVar aggregate classification (germline): Uncertain significance (1 of 4 stars; one submission).

Allele frequency attached by ClinVar (database versions not stated): TOPMed 0.00001.

Submission:

GeneDx
Classification: Uncertain significance. Last evaluated: 2021-12-30. Review status: criteria provided, single submitter. Criteria: GeneDx Variant Classification Process June 2021. Collection method: clinical testing. Allele origin: germline. Affected: yes.
Comment: Not observed at significant frequency in large population cohorts (gnomAD); In silico analysis supports that this missense variant does not alter protein structure/function; Has not been previously published as pathogenic or benign to our knowledge